The following is an entry in ClinVar:

ClinVar aggregate classification (germline): Uncertain significance (1 of 4 stars; one submission).

Submission:

Labcorp Genetics (formerly Invitae), Labcorp
Classification: Uncertain significance. Last evaluated: 2024-08-13. Review status: criteria provided, single submitter. Criteria: Invitae Variant Classification Sherloc (09022015). Collection method: clinical testing. Allele origin: germline.
Comment: This sequence change falls in intron 21 of the KMT2B gene. It does not directly change the encoded amino acid sequence of the KMT2B protein. It affects a nucleotide within the consensus splice site. This variant is not present in population databases (gnomAD no frequency). This variant has not been reported in the literature in individuals affected with KMT2B-related conditions. Variants that disrupt the consensus splice site are a relatively common cause of aberrant splicing (PMID: 17576681, 9536098). Algorithms developed to predict the effect of sequence changes on RNA splicing suggest that this variant is not likely to affect RNA splicing. In summary, the available evidence is currently insufficient to determine the role of this variant in disease. Therefore, it has been classified as a Variant of Uncertain Significance.

Literature cited by the submitters: PubMed 17576681; PubMed 9536098.

NM_014727.3(KMT2B):c.4779+6G>T

Gene: KMT2B (lysine methyltransferase 2B; plus strand). Cytogenetic location: 19q13.12.
Variant type: single nucleotide variant.
Coding change: c.4779+6G>T on transcript NM_014727.3 (MANE Select); 6 bases into the intron after coding-DNA position 4779, G replaced by T.
Molecular consequence: intron variant.
Genome position (GRCh38, 1-based): chr19:35,729,082, G>T. VCF-style: chr19-35729082-G-T. GRCh37 (hg19) VCF-style: chr19-36219983-G-T.
Identifiers: ClinVar variation 3680421 (VCV003680421.2).